The following is an entry in ClinVar:

ClinVar aggregate classification (germline): Pathogenic (1 of 4 stars; one submission).

Conditions:
Hereditary cancer-predisposing syndrome. Also called: Neoplastic Syndromes, Hereditary; Tumor predisposition; Hereditary Cancer Syndrome; Hereditary neoplastic syndrome. Identifiers: Orphanet 140162, MedGen C0027672, MeSH D009386, MONDO:0015356.

Submission:

Ambry Genetics
Classification: Pathogenic for Hereditary cancer-predisposing syndrome. Last evaluated: 2026-03-30. Review status: criteria provided, single submitter. Criteria: Ambry Variant Classification Scheme 2023. Collection method: clinical testing. Allele origin: germline.
Comment: The p.Y467* pathogenic mutation (also known as c.1401C>G), located in coding exon 10 of the BMPR1A gene, results from a C to G substitution at nucleotide position 1401. This changes the amino acid from a tyrosine to a stop codon within coding exon 10. This variant is considered to be rare based on population cohorts in the Genome Aggregation Database (gnomAD). This alteration is expected to result in loss of function by premature protein truncation or nonsense-mediated mRNA decay. As such, this alteration is interpreted as a disease-causing mutation.

NM_004329.3(BMPR1A):c.1401C>G (p.Tyr467Ter)

Gene: BMPR1A (bone morphogenetic protein receptor type 1A; plus strand). Cytogenetic location: 10q23.2.
Variant type: single nucleotide variant.
Coding change: c.1401C>G on transcript NM_004329.3 (MANE Select); coding-DNA position 1401, C replaced by G.
Protein change: p.Tyr467Ter; replaces tyrosine 467 with a stop codon.
Molecular consequence: nonsense. On other transcripts: non-coding transcript variant (3).
Genome position (GRCh38, 1-based): chr10:86,923,434, C>G. VCF-style: chr10-86923434-C-G. GRCh37 (hg19) VCF-style: chr10-88683191-C-G.
Other names: c.1476C>G, p.Tyr492Ter (NM_001406559.1); c.1449C>G, p.Tyr483Ter (NM_001406560.1); c.1401C>G, p.Tyr467Ter (NM_001406561.1, NM_001406562.1, NM_001406563.1 and 19 more transcripts); c.1317C>G, p.Tyr439Ter (NM_001406584.1, NM_001406585.1, NM_001406586.1 and 2 more transcripts); c.1059C>G, p.Tyr353Ter (NM_001406589.1); c.1395C>G, p.Tyr465Ter (NM_001406583.1); short protein forms Y353*, Y439*, Y465*, Y467*, Y483*, Y492*.
Identifiers: ClinVar variation 4867550 (VCV004867550.1).